The following is an entry in ClinVar:

ClinVar aggregate classification (germline): Uncertain significance (1 of 4 stars; one submission).

Conditions:
NCOA1-related disorder. Also called: NCOA1-related condition.

gnomAD v4.1: 85 of 1,614,186 alleles (0.0053%); highest among the groups gnomAD compares: Admixed American, 0.0083%; no homozygotes.

Submission:

PreventionGenetics, part of Exact Sciences
Classification: Uncertain significance for NCOA1-related condition. Last evaluated: 2025-08-08. Review status: criteria provided, single submitter. Criteria: ACMG Guidelines, 2015. Collection method: clinical testing. Allele origin: germline.
Comment: The NCOA1 c.1415A>G variant is predicted to result in the amino acid substitution p.Asn472Ser. To our knowledge, this variant has not been reported in the literature. This variant is reported in 0.012% of alleles in individuals of European (Non-Finnish) descent in gnomAD, which may be too frequent to be a primary cause of disease. Although we suspect that this variant may be benign, at this time, the clinical significance of this variant is uncertain due to the absence of conclusive functional and genetic evidence.

NM_003743.5(NCOA1):c.1415A>G (p.Asn472Ser)

Gene: NCOA1 (nuclear receptor coactivator 1; plus strand). Cytogenetic location: 2p23.3.
Variant type: single nucleotide variant.
Coding change: c.1415A>G on transcript NM_003743.5 (MANE Select); coding-DNA position 1415, A replaced by G.
Protein change: p.Asn472Ser; replaces asparagine 472 with serine.
Molecular consequence: missense variant.
Genome position (GRCh38, 1-based): chr2:24,706,885, A>G. VCF-style: chr2-24706885-A-G. GRCh37 (hg19) VCF-style: chr2-24929754-A-G.
Other names: c.1415A>G, p.Asn472Ser (NM_001362950.1, NM_001362952.1, NM_001362954.1 and 3 more transcripts); short protein forms N472S.
Identifiers: ClinVar variation 4981668 (VCV004981668.1).